The following is an entry in ClinVar:

ClinVar aggregate classification (germline): Conflicting classifications of pathogenicity. Review status: criteria provided, conflicting classifications (1 of 4 stars). 2 submissions from 2 submitters: Pathogenic (1); Likely benign (1). Last evaluated 2026-04-07.

Conditions:
Growth hormone insensitivity with immune dysregulation 1, autosomal recessive. Also called: GROWTH HORMONE INSENSITIVITY DUE TO POSTRECEPTOR DEFECT; LARON SYNDROME DUE TO POSTRECEPTOR DEFECT; GROWTH HORMONE INSENSITIVITY SYNDROME WITH IMMUNE DYSREGULATION 1, AUTOSOMAL RECESSIVE; Laron syndrome with immunodeficiency. Identifiers: Orphanet 220465, MedGen C5435698, MONDO:0100211, OMIM 245590.

Allele frequency attached by ClinVar (database versions not stated): gnomAD exomes below 0.00001.
gnomAD v4.1: 1 of 1,613,924 alleles (0.000062%); highest among the groups gnomAD compares: East Asian, 0.0022%; no homozygotes.

Submissions (2):

Laboratorio de Genetica e Diagnostico Molecular, Hospital Israelita Albert Einstein
Classification: Pathogenic for Growth hormone insensitivity with immune dysregulation 1, autosomal recessive. Last evaluated: 2026-04-07. Review status: criteria provided, single submitter. Criteria: ACMG Guidelines, 2015. Collection method: clinical testing. Allele origin: germline. Inheritance: Autosomal recessive inheritance. Affected: yes. Observed: 1 variant allele.
Comment: This variant is present at a very low frequency in the gnomAD population database (0.000062%). In silico splice prediction tools support a potential impact on RNA splicing (SpliceAI delta score for donor gain = 0.81). RNA analysis demonstrated partial skipping of exon 2 due to the creation of a novel splice donor site, resulting in a frameshift and predicted disruption of the reading frame. This finding is consistent with the in silico predictions. The aberrant transcript was observed in at least 50% of the analyzed transcripts. Based on current recommendations for the interpretation of RNA evidence (PMID: 37352859), this variant was classified as pathogenic. ACMG/AMP classification criteria applied: PVS1_RNA, PM2_supporting, PM3_supporting.

Labcorp Genetics (formerly Invitae), Labcorp
Classification: Likely benign for Growth hormone insensitivity with immune dysregulation 1, autosomal recessive. Last evaluated: 2023-10-13. Review status: criteria provided, single submitter. Criteria: Invitae Variant Classification Sherloc (09022015). Collection method: clinical testing. Allele origin: germline.

NM_012448.4(STAT5B):c.90G>A (p.Val30=)

Gene: STAT5B (signal transducer and activator of transcription 5B; minus strand). Cytogenetic location: 17q21.2.
Variant type: single nucleotide variant.
Coding change: c.90G>A on transcript NM_012448.4 (MANE Select); coding-DNA position 90, G replaced by A.
Protein change: p.Val30=; no amino-acid change (valine 30 retained).
Molecular consequence: synonymous variant.
Genome position (GRCh38, 1-based): chr17:42,232,038, C>T on the plus strand (G>A on the coding strand, the complement: STAT5B is on the minus strand). VCF-style: chr17-42232038-C-T. GRCh37 (hg19) VCF-style: chr17-40384056-C-T.
Identifiers: ClinVar variation 1662091 (VCV001662091.10), dbSNP rs2144296728, ClinGen allele CA500061998.